The following is an entry in ClinVar:

NM_006030.4(CACNA2D2):c.2155C>T (p.Leu719Phe)

Genes: CACNA2D2 (calcium voltage-gated channel auxiliary subunit alpha2delta 2; minus strand), LOC101928965 (uncharacterized LOC101928965; plus strand), LOC127898564 (CYB561D2-LOC101928965; plus strand). Cytogenetic location: 3p21.31.
Variant type: single nucleotide variant.
Coding change: c.2155C>T on transcript NM_006030.4 (MANE Select); coding-DNA position 2155, C replaced by T.
Protein change: p.Leu719Phe; replaces leucine 719 with phenylalanine.
Molecular consequence: missense variant. On other transcripts: non-coding transcript variant (3).
Genome position (GRCh38, 1-based): chr3:50,367,891, G>A on the plus strand (C>T on the coding strand, the complement: CACNA2D2 is on the minus strand). VCF-style: chr3-50367891-G-A. GRCh37 (hg19) VCF-style: chr3-50405322-G-A.
Other names: c.2155C>T, p.Leu719Phe (NM_001005505.3); c.2176C>T, p.Leu726Phe (NM_001174051.3); c.1948C>T, p.Leu650Phe (NM_001291101.1); short protein forms L726F, L719F, L650F.
Identifiers: ClinVar variation 411010 (VCV000411010.8), dbSNP rs998005566, ClinGen allele CA16611322.

ClinVar aggregate classification (germline): Uncertain significance (1 of 4 stars; one submission).

Conditions:
Early-infantile DEE. Also called: Ohtahara syndrome; Early infantile epileptic encephalopathy with suppression bursts; Early infantile epileptic encephalopathy. Identifiers: Orphanet 1934, MedGen C0393706, MONDO:0800491.

gnomAD v4.1: 1 of 1,463,008 alleles (0.000068%); highest among the groups gnomAD compares: Non-Finnish European, 0.000094%; no homozygotes.

Submission:

Labcorp Genetics (formerly Invitae), Labcorp
Classification: Uncertain significance for Early-infantile DEE. Last evaluated: 2022-11-15. Review status: criteria provided, single submitter. Criteria: Invitae Variant Classification Sherloc (09022015). Collection method: clinical testing. Allele origin: germline.
Comment: Algorithms developed to predict the effect of missense changes on protein structure and function are either unavailable or do not agree on the potential impact of this missense change (SIFT: "Deleterious"; PolyPhen-2: "Probably Damaging"; Align-GVGD: "Class C0"). ClinVar contains an entry for this variant (Variation ID: 411010). This variant has not been reported in the literature in individuals affected with CACNA2D2-related conditions. This variant is not present in population databases (gnomAD no frequency). This sequence change replaces leucine, which is neutral and non-polar, with phenylalanine, which is neutral and non-polar, at codon 719 of the CACNA2D2 protein (p.Leu719Phe). In summary, the available evidence is currently insufficient to determine the role of this variant in disease. Therefore, it has been classified as a Variant of Uncertain Significance.